The following is an entry in ClinVar:

NM_003036.4(SKI):c.727G>C (p.Ala243Pro)

Gene: SKI (SKI proto-oncogene; plus strand). Cytogenetic location: 1p36.33.
Variant type: single nucleotide variant.
Coding change: c.727G>C on transcript NM_003036.4 (MANE Select); coding-DNA position 727, G replaced by C.
Protein change: p.Ala243Pro; replaces alanine 243 with proline.
Molecular consequence: missense variant.
Genome position (GRCh38, 1-based): chr1:2,229,493, G>C. VCF-style: chr1-2229493-G-C. GRCh37 (hg19) VCF-style: chr1-2160932-G-C.
Other names: short protein forms A243P.
Identifiers: ClinVar variation 4635541 (VCV004635541.1).

ClinVar aggregate classification (germline): Uncertain significance (1 of 4 stars; one submission).

Conditions:
Familial thoracic aortic aneurysm and aortic dissection (TAAD). Also called: Thoracic aortic aneurysms and dissections. Identifiers: Orphanet 91387, MedGen C4707243, MONDO:0019625.

Submission:

Ambry Genetics
Classification: Uncertain significance for Familial thoracic aortic aneurysm and aortic dissection. Last evaluated: 2025-10-23. Review status: criteria provided, single submitter. Criteria: Ambry Variant Classification Scheme 2023. Collection method: clinical testing. Allele origin: germline.
Comment: The p.A243P variant (also known as c.727G>C), located in coding exon 1 of the SKI gene, results from a G to C substitution at nucleotide position 727. The alanine at codon 243 is replaced by proline, an amino acid with highly similar properties. This amino acid position is conserved. In addition, the in silico prediction for this alteration is inconclusive. Based on the available evidence, the clinical significance of this variant remains unclear.